The following is an entry in ClinVar:

NM_000552.5(VWF):c.5533G>A (p.Asp1845Asn)

Gene: VWF (von Willebrand factor; minus strand). Cytogenetic location: 12p13.31.
Variant type: single nucleotide variant.
Coding change: c.5533G>A on transcript NM_000552.5 (MANE Select); coding-DNA position 5533, G replaced by A.
Protein change: p.Asp1845Asn; replaces aspartic acid 1845 with asparagine.
Molecular consequence: missense variant.
Genome position (GRCh38, 1-based): chr12:6,013,568, C>T on the plus strand (G>A on the coding strand, the complement: VWF is on the minus strand). VCF-style: chr12-6013568-C-T. GRCh37 (hg19) VCF-style: chr12-6122734-C-T.
Other names: c.5533G>A (NM_000552.4); short protein forms D1845N.
Identifiers: ClinVar variation 310059 (VCV000310059.9), dbSNP rs201548925, ClinGen allele CA6402238.

ClinVar aggregate classification (germline): Uncertain significance. Review status: criteria provided, multiple submitters, no conflicts (2 of 4 stars). 4 submissions from 4 submitters: Uncertain significance (2). 2 of the submissions do not count toward it. Last evaluated 2025-12-07.

Conditions:
VWF-related disorder. Also called: VWF-related condition; VWF-related disorders.

Allele frequency attached by ClinVar (database versions not stated): gnomAD exomes 0.00005 and 0.00016; gnomAD 0.00010 and 0.00012; TOPMed 0.00011; ExAC 0.00012; 1000 Genomes Project 30x 0.00016; 1000 Genomes Project 0.00020.
gnomAD v4.1: 119 of 1,614,006 alleles (0.0074%); highest among the groups gnomAD compares: East Asian, 0.12%; 1 homozygote.

Submissions (4):

PreventionGenetics, part of Exact Sciences
Classification: Uncertain significance for VWF-related condition. Last evaluated: 2025-12-07. Review status: criteria provided, single submitter. Criteria: ACMG Guidelines, 2015. Collection method: clinical testing. Allele origin: germline.
Comment: The VWF c.5533G>A variant is predicted to result in the amino acid substitution p.Asp1845Asn. To our knowledge, this variant has not been reported in the literature. This variant is reported in 0.18% of alleles in individuals of East Asian descent in gnomAD. Although we suspect that this variant may be benign, at this time, the clinical significance of this variant is uncertain due to the absence of conclusive functional and genetic evidence.

Women's Health and Genetics/Laboratory Corporation of America, LabCorp
Classification: Uncertain significance. Last evaluated: 2025-02-25. Review status: criteria provided, single submitter. Criteria: LabCorp Variant Classification Summary - May 2015. Collection method: clinical testing. Allele origin: germline.
Comment: Variant summary: VWF c.5533G>A (p.Asp1845Asn) results in a conservative amino acid change located in the von Willebrand factor (vWF) type A domain (IPR002035) of the encoded protein sequence. Five of five in-silico tools predict a benign effect of the variant on protein function. The variant allele was found at a frequency of 0.00016 in 251416 control chromosomes in the gnomAD database, including 1 homozygote. This frequency is not significantly higher than estimated for a pathogenic variant in VWF causing Von Willebrand Disease, allowing no conclusion about variant significance. c.5533G>A has been reported in the literature in a setting of multi-gene panel testing as a polymorphism in at least one individual affected with an unspecified bleeding disorder (e.g. Baz_2021). These report(s) do not provide unequivocal conclusions about association of the variant with Von Willebrand Disease. To our knowledge, no experimental evidence demonstrating an impact on protein function has been reported. The following publication has been ascertained in the context of this evaluation (PMID: 27149842). ClinVar contains an entry for this variant (Variation ID: 310059). Based on the evidence outlined above, the variant was classified as uncertain significance.

Clinical Genetics DNA and cytogenetics Diagnostics Lab, Erasmus MC, Erasmus Medical Center
Classification: Likely benign. Review status: no assertion criteria provided. Collection method: clinical testing. Allele origin: germline. Affected: yes. Study: VKGL Data-share Consensus. Not counted in ClinVar's aggregate classification.

Joint Genome Diagnostic Labs from Nijmegen and Maastricht, Radboudumc and MUMC+
Classification: Likely benign. Review status: no assertion criteria provided. Collection method: clinical testing. Allele origin: germline. Affected: yes. Study: VKGL Data-share Consensus. Not counted in ClinVar's aggregate classification.

Literature cited by the submitters: PubMed 27149842 (cited by Women's Health and Genetics/Laboratory Corporation of America, LabCorp).